The following is an entry in ClinVar:

ClinVar aggregate classification (germline): Uncertain significance (1 of 4 stars; one submission).

Conditions:
Familial adenomatous polyposis 1 (FAP1). Also called: POLYPOSIS, ADENOMATOUS INTESTINAL; FAMILIAL ADENOMATOUS POLYPOSIS 1, ATTENUATED. Identifiers: MedGen C2713442, MONDO:0021056, OMIM 175100. Disease mechanism: loss of function.

Allele frequency attached by ClinVar (database versions not stated): gnomAD exomes below 0.00001.
gnomAD v4.1: 3 of 1,614,098 alleles (0.00019%); highest among the groups gnomAD compares: Non-Finnish European, 0.00025%; no homozygotes.

Submission:

Labcorp Genetics (formerly Invitae), Labcorp
Classification: Uncertain significance for Familial adenomatous polyposis 1. Last evaluated: 2019-09-11. Review status: criteria provided, single submitter. Criteria: Invitae Variant Classification Sherloc (09022015). Collection method: clinical testing. Allele origin: germline.
Comment: In summary, the available evidence is currently insufficient to determine the role of this variant in disease. Therefore, it has been classified as a Variant of Uncertain Significance. Algorithms developed to predict the effect of missense changes on protein structure and function (SIFT, PolyPhen-2, Align-GVGD) all suggest that this variant is likely to be disruptive, but these predictions have not been confirmed by published functional studies and their clinical significance is uncertain. This variant has not been reported in the literature in individuals with APC-related conditions. This variant is not present in population databases (ExAC no frequency). This sequence change replaces alanine with valine at codon 724 of the APC protein (p.Ala724Val). The alanine residue is highly conserved and there is a small physicochemical difference between alanine and valine.

NM_000038.6(APC):c.2171C>T (p.Ala724Val)

Gene: APC (APC regulator of Wnt signaling pathway; plus strand). Cytogenetic location: 5q22.2.
Variant type: single nucleotide variant.
Coding change: c.2171C>T on transcript NM_000038.6 (MANE Select); coding-DNA position 2171, C replaced by T.
Protein change: p.Ala724Val; replaces alanine 724 with valine.
Molecular consequence: missense variant.
Genome position (GRCh38, 1-based): chr5:112,837,765, C>T. VCF-style: chr5-112837765-C-T. GRCh37 (hg19) VCF-style: chr5-112173462-C-T.
Other names: c.2171C>T, p.Ala724Val (NM_001127510.3, NM_001354895.2); c.2117C>T, p.Ala706Val (NM_001127511.3); c.2225C>T, p.Ala742Val (NM_001354896.2); c.2201C>T, p.Ala734Val (NM_001354897.2); c.2096C>T, p.Ala699Val (NM_001354898.2); c.2087C>T, p.Ala696Val (NM_001354899.2); c.2048C>T, p.Ala683Val (NM_001354900.2); c.1994C>T, p.Ala665Val (NM_001354901.2); and 5 more; short protein forms A564V, A699V, A683V, A696V, A724V, A742V, A623V, A633V.
Identifiers: ClinVar variation 959514 (VCV000959514.11), dbSNP rs1765117820, ClinGen allele CA16026088.